The following is an entry in ClinVar:

NM_001127222.2(CACNA1A):c.4250+8T>A

Genes: CACNA1A (calcium voltage-gated channel subunit alpha1 A; minus strand), LOC126862864 (MED14-independent group 3 enhancer GRCh37_chr19:13371552-13372751; plus strand). Cytogenetic location: 19p13.13.
Variant type: single nucleotide variant.
Coding change: c.4250+8T>A on transcript NM_001127222.2 (MANE Select); 8 bases into the intron after coding-DNA position 4250, T replaced by A.
Molecular consequence: intron variant.
Genome position (GRCh38, 1-based): chr19:13,261,442, A>T on the plus strand (T>A on the coding strand, the complement: CACNA1A is on the minus strand). VCF-style: chr19-13261442-A-T. GRCh37 (hg19) VCF-style: chr19-13372256-A-T.
Other names: c.4253+8T>A (NM_001127221.2, NM_001174080.2); c.4262+8T>A (NM_000068.4, NM_023035.3).
Identifiers: ClinVar variation 4785120 (VCV004785120.1).

ClinVar aggregate classification (germline): Uncertain significance (1 of 4 stars; one submission).

Conditions:
Episodic ataxia type 2 (EA2). Also called: ACETAZOLAMIDE-RESPONSIVE HEREDITARY PAROXYSMAL CEREBELLAR ATAXIA; ATAXIA, EPISODIC, WITH NYSTAGMUS; ATAXIA, FAMILIAL PAROXYSMAL; CEREBELLAR ATAXIA, PAROXYSMAL, ACETAZOLAMIDE-RESPONSIVE; CEREBELLOPATHY, HEREDITARY PAROXYSMAL; EPISODIC ATAXIA, NYSTAGMUS-ASSOCIATED. Identifiers: Orphanet 97, MedGen C1720416, MONDO:0007163, OMIM 108500.
Developmental and epileptic encephalopathy, 42 (DEE42A). Also called: Epileptic encephalopathy, early infantile, 42; DEVELOPMENTAL AND EPILEPTIC ENCEPHALOPATHY 42A; EPILEPTIC ENCEPHALOPATHY, EARLY INFANTILE, 42A. Identifiers: MedGen C4310716, MONDO:0014917, OMIM 617106.

Submission:

Labcorp Genetics (formerly Invitae), Labcorp
Classification: Uncertain significance for Developmental and epileptic encephalopathy, 42; Episodic ataxia type 2. Last evaluated: 2025-08-05. Review status: criteria provided, single submitter. Criteria: Invitae Variant Classification Sherloc (09022015). Collection method: clinical testing. Allele origin: germline.
Comment: This sequence change falls in intron 26 of the CACNA1A gene. It does not directly change the encoded amino acid sequence of the CACNA1A protein. This variant is not present in population databases (gnomAD no frequency). This variant has not been reported in the literature in individuals affected with CACNA1A-related conditions. Algorithms developed to predict the effect of sequence changes on RNA splicing suggest that this variant may create or strengthen a splice site. In summary, the available evidence is currently insufficient to determine the role of this variant in disease. Therefore, it has been classified as a Variant of Uncertain Significance.